The following is an entry in ClinVar:

ClinVar aggregate classification (germline): Uncertain significance (1 of 4 stars; one submission).

Conditions:
Joubert syndrome. Also called: CEREBELLOPARENCHYMAL DISORDER IV; JOUBERT-BOLTSHAUSER SYNDROME; Familial aplasia of the vermis. Identifiers: Orphanet 475, MedGen C5979921, MONDO:0018772.
Nephronophthisis. Also called: Juvenile Nephronophthisis. Identifiers: Orphanet 655, MedGen C0687120, MONDO:0019005, HP:0000090.
Meckel-Gruber syndrome. Also called: DYSENCEPHALIA SPLANCHNOCYSTICA; GRUBER SYNDROME; Dysencephalia splachnocystica. Identifiers: Orphanet 564, MedGen C0265215, MONDO:0018921.

Submission:

Labcorp Genetics (formerly Invitae), Labcorp
Classification: Uncertain significance for Joubert syndrome; Meckel-Gruber syndrome; Nephronophthisis. Last evaluated: 2021-12-25. Review status: criteria provided, single submitter. Criteria: Invitae Variant Classification Sherloc (09022015). Collection method: clinical testing. Allele origin: germline.
Comment: In summary, the available evidence is currently insufficient to determine the role of this variant in disease. Therefore, it has been classified as a Variant of Uncertain Significance. Algorithms developed to predict the effect of missense changes on protein structure and function (SIFT, PolyPhen-2, Align-GVGD) all suggest that this variant is likely to be disruptive. This variant has not been reported in the literature in individuals affected with CEP290-related conditions. This variant is not present in population databases (gnomAD no frequency). This sequence change replaces glutamine, which is neutral and polar, with arginine, which is basic and polar, at codon 1191 of the CEP290 protein (p.Gln1191Arg).

NM_025114.4(CEP290):c.3572A>G (p.Gln1191Arg)

Gene: CEP290 (centrosomal protein 290; minus strand). Cytogenetic location: 12q21.32.
Variant type: single nucleotide variant.
Coding change: c.3572A>G on transcript NM_025114.4 (MANE Select); coding-DNA position 3572, A replaced by G.
Protein change: p.Gln1191Arg; replaces glutamine 1191 with arginine.
Molecular consequence: missense variant.
Genome position (GRCh38, 1-based): chr12:88,090,729, T>C on the plus strand (A>G on the coding strand, the complement: CEP290 is on the minus strand). VCF-style: chr12-88090729-T-C. GRCh37 (hg19) VCF-style: chr12-88484506-T-C.
Other names: short protein forms Q1191R.
Identifiers: ClinVar variation 2060931 (VCV002060931.4), dbSNP rs867172785, ClinGen allele CA241165887.